The following continues an entry in ClinVar:

NM_004004.6(GJB2):c.71G>A (p.Trp24Ter)

Gene: GJB2. ClinVar aggregate classification (germline): Pathogenic. Pathogenic (1).

Submissions 25 to 38 of 60:

Department of Otolaryngology – Head & Neck Surgery, Cochlear Implant Center
Classification: Pathogenic for Hearing impairment. Last evaluated: 2021-04-12. Review status: criteria provided, single submitter. Criteria: ClinGen HL ACMG Specifications v1. Collection method: clinical testing. Allele origin: germline. Affected: yes. Not counted in ClinVar's aggregate classification.
Comment: PVS1_Strong, PS3_Moderate, PM2_Moderate, PP1_Supporting

HudsonAlpha Institute for Biotechnology
Classification: Pathogenic for Autosomal recessive nonsyndromic hearing loss 1A. Last evaluated: 2021-04-12. Review status: criteria provided, single submitter. Criteria: ACMG Guidelines, 2015. Collection method: research. Allele origin: paternal. Affected: yes. Observed: 1 variant allele. Study: HudsonAlpha-AGHI-WGS. Not counted in ClinVar's aggregate classification.
Comment: ACMG codes:PVS1, PM2, PP5

Genetics and Genomic Medicine Centre, NeuroGen Healthcare, NeuroGen Healthcare
Classification: Pathogenic for Knuckle pads, deafness AND leukonychia syndrome. Last evaluated: 2021-03-15. Review status: criteria provided, single submitter. Criteria: Submitter's publication. Collection method: clinical testing. Allele origin: unknown. Affected: no. Not counted in ClinVar's aggregate classification.

Victorian Clinical Genetics Services, Murdoch Childrens Research Institute
Classification: Pathogenic for Autosomal recessive nonsyndromic hearing loss 1A. Last evaluated: 2020-10-19. Review status: criteria provided, single submitter. Criteria: ACMG Guidelines, 2015. Collection method: clinical testing. Allele origin: germline. Affected: no. Not counted in ClinVar's aggregate classification.
Comment: Based on the classification scheme VCGS_Germline_v1.1.1, this variant is classified as Pathogenic. Following criteria are met: 0102 - Loss-of-function is a known mechanism of disease for this gene. Multiple truncating variants have previously been reported pathogenic (ClinVar). (N) 0108 - This gene is known to be associated with both recessive and dominant disease (OMIM). (N) 0204 - Variant is predicted to result in a truncated protein with more than 1/3 of the protein affected (exon 2 of 2). (P) 0251 - Variant is heterozygous. (N) 0304 - Variant is present in gnomAD <0.01 for a recessive condition (145 heterozygotes, 1 homozygote). (P) 0701 - Comparable variants have very strong previous evidence for pathogenicity. Multiple truncating variants have been previously reported pathogenic (ClinVar) (P) 0801 - Strong previous evidence of pathogenicity in unrelated individuals. This variant has previously been reported in multiple independent cases (ClinVar). (P) 1002 - Moderate functional evidence supporting abnormal protein function. This variant has been shown to result in stop codon readthrough, affecting cellular localisation of the protein (PMID 18941476). (P) 1208 - Inheritance information for this variant is not currently available. (N) Legend: (P) - Pathogenic, (N) - Neutral, (B) - Benign

GeneDx
Classification: Pathogenic. Last evaluated: 2020-04-27. Review status: criteria provided, single submitter. Criteria: GeneDx Variant Classification (06012015). Collection method: clinical testing. Allele origin: germline. Affected: yes. Not counted in ClinVar's aggregate classification.
Comment: Nonsense variant predicted to result in protein truncation, as the last 203 amino acids are lost, and other loss-of-function variants have been reported downstream in the Human Gene Mutation Database (Stenson et al., 2014) Classified as pathogenic by the ClinGen Hearing Loss Variant Curation Expert Panel (SCV000840546.3; Oza et al., 2018) This variant is associated with the following publications: (PMID: 31160754, 32847582, 31980526, 31827275, 33111345, 26689913, 18294064, 18941476, 29907799, 30394532, 30168495, 29086887, 29542069, 30094485, 15113126, 14985372, 11968091, 12746422, 16380907, 25636251, 26850479, 26778469, 26059209, 25999548, 9139825, 24840842, 24123366, 22975760, 15070423, 16088916, 12833397)

Cambridge Genomics Laboratory, East Genomic Laboratory Hub, NHS Genomic Medicine Service
Classification: Pathogenic for Hearing impairment. Last evaluated: 2019-11-26. Review status: criteria provided, single submitter. Criteria: ACGS Best Practice Guidelines for Variant Classification in Rare Disease 2020. Collection method: clinical testing. Allele origin: germline. Affected: yes. Observed: 1 variant allele. Not counted in ClinVar's aggregate classification.

Myriad Genetics, Inc.
Classification: Pathogenic for Autosomal recessive nonsyndromic hearing loss 1A. Last evaluated: 2019-11-12. Review status: criteria provided, single submitter. Criteria: Myriad Women's Health Autosomal Recessive and X-Linked Classification Criteria (2019). Collection method: clinical testing. Allele origin: unknown. Not counted in ClinVar's aggregate classification.
Comment: NM_004004.5(GJB2):c.71G>A(W24*) is classified as pathogenic in the context of GJB2-related DFNB1 nonsyndromic hearing loss and deafness. Sources cited for classification include the following: PMID 15070423, 19371219, 15967879, 18941476 and 22695344. Classification of NM_004004.5(GJB2):c.71G>A(W24*) is based on the following criteria: This is a well-established pathogenic variant in the literature that has been observed more frequently in patients with clinical diagnoses than in healthy populations. Please note: this variant was assessed in the context of healthy population screening.

Athena Diagnostics
Classification: Pathogenic. Last evaluated: 2019-04-23. Review status: criteria provided, single submitter. Criteria: Athena Diagnostics Criteria. Collection method: clinical testing. Allele origin: germline. Not counted in ClinVar's aggregate classification.
Comment: The variant creates a premature nonsense codon, and is therefore predicted to result in the loss of a functional protein. Found in at least one symptomatic patient, and found in general population data that is consistent with pathogenicity.

Laboratory of Medical Genetics, National & Kapodistrian University of Athens
Classification: Pathogenic for Autosomal recessive nonsyndromic hearing loss 1A. Last evaluated: 2018-05-20. Review status: criteria provided, single submitter. Criteria: ACMG Guidelines, 2015. Collection method: clinical testing. Allele origin: germline. Affected: yes. Not counted in ClinVar's aggregate classification.
Comment: PS3, PM1, PM4, PP2, PP3

Genomic Diagnostic Laboratory, Division of Genomic Diagnostics, Children's Hospital of Philadelphia
Classification: Pathogenic for Deafness, autosomal recessive 1A. Last evaluated: 2017-05-09. Review status: criteria provided, single submitter. Criteria: DGD Variant Analysis Guidelines. Collection method: clinical testing. Allele origin: germline. Affected: yes and no. Observed: 6 variant alleles. Not counted in ClinVar's aggregate classification.

Illumina Laboratory Services, Illumina
Classification: Pathogenic for Autosomal recessive nonsyndromic hearing loss 1A. Last evaluated: 2017-04-27. Review status: criteria provided, single submitter. Criteria: ICSL Variant Classification Criteria 09 May 2019. Collection method: clinical testing. Allele origin: germline. Not counted in ClinVar's aggregate classification.
Comment: The GJB2 c.71G>A (p.Trp24Ter) variant is a stop-gained variant predicted to result in premature termination of the protein. Across a selection of the available literature, the p.Trp24Ter variant has been identified in at least 46 patients with a recessive form of nonsyndromic hearing loss including in 28 in a homozygous state, 12 in a compound heterozygous state, and 6 in a heterozygous state (Kelsell et al. 1997; Maheshwari et al. 2003; RamShankar et al. 2003; Alvarez et al. 2005; Salman et al. 2015). The variant has been shown to segregate with disease in an autosomal recessive pattern in affected families (Maheshwari et al. 2003). The p.Trp24Ter variant was reported in five of 285 controls in a heterozygous state, which is consistent with carrier frequency, and is reported at a frequency of 0.00399 in the South Asian population of the Exome Aggregation Consortium. RamShankar et al. (2003) found that the p.Trp24Ter variant was the most common variant among 215 Indian probands and suggested a founder effect was responsible for the estimated carrier frequency of 0.024 in the Indian population. The variant has not been reported in association with Vohwinkel syndrome, ichthyosis hystrix-like with deafness, keratitis-ichthyosis-deafness syndrome or the dominant form of nonsyndromic hearing loss, all conditions known to be caused by variants in the GJB2 gene. Based on the disease prevalence and frequency of the variant, the p.Trp24Ter variant can be ruled out of causing disease in these conditions despite the potential impact of stop-gained variants. However, based on the collective evidence, the p.Trp24Ter variant is classified as pathogenic for the recessive form of nonsyndromic hearing loss. This variant was observed by ICSL as part of a predisposition screen in an ostensibly healthy population.

Illumina Laboratory Services, Illumina
Classification: Likely benign for Autosomal dominant keratitis-ichthyosis-hearing loss syndrome. Last evaluated: 2017-04-27. Review status: criteria provided, single submitter. Criteria: ICSL Variant Classification Criteria 13 December 2019. Collection method: clinical testing. Allele origin: germline. Not counted in ClinVar's aggregate classification.
Comment: This variant was observed as part of a predisposition screen in an ostensibly healthy population. A literature search was performed for the gene, cDNA change, and amino acid change (where applicable). No publications were found based on this search. Allele frequency data from public databases allowed determination this variant is unlikely to cause disease. Therefore, this variant is classified as likely benign.

Illumina Laboratory Services, Illumina
Classification: Likely benign for Autosomal dominant nonsyndromic hearing loss 3A. Last evaluated: 2017-04-27. Review status: criteria provided, single submitter. Criteria: ICSL Variant Classification Criteria 13 December 2019. Collection method: clinical testing. Allele origin: germline. Not counted in ClinVar's aggregate classification.
Comment: the same text as in the submission from Illumina Laboratory Services, Illumina above.

HudsonAlpha Institute for Biotechnology
Classification: Pathogenic for Autosomal recessive nonsyndromic hearing loss 1A. Last evaluated: 2016-12-08. Review status: criteria provided, single submitter. Criteria: HA_assertions_20161101. Collection method: research. Allele origin: unknown. Affected: yes. Observed: 1 homozygote. Study: CSER-HudsonAlpha. Not counted in ClinVar's aggregate classification.